The following is an entry in ClinVar:

NM_006953.4(UPK3A):c.248C>T (p.Thr83Ile)

Gene: UPK3A (uroplakin 3A; plus strand). Cytogenetic location: 22q13.31.
Variant type: single nucleotide variant.
Coding change: c.248C>T on transcript NM_006953.4 (MANE Select); coding-DNA position 248, C replaced by T.
Protein change: p.Thr83Ile; replaces threonine 83 with isoleucine.
Molecular consequence: missense variant. On other transcripts: intron variant (1).
Genome position (GRCh38, 1-based): chr22:45,287,211, C>T. VCF-style: chr22-45287211-C-T. GRCh37 (hg19) VCF-style: chr22-45683092-C-T.
Other names: c.208+1115C>T (NM_001167574.2); short protein forms T83I.
Identifiers: ClinVar variation 4886227 (VCV004886227.2).
Genomic context (GRCh38, chr22:45,287,211, plus strand): 5'-CTCCCTGCACCGCCTCTGCAGCCATTTCCAGGAATGCCTCAGTGCAAGACAGCACCAACA[C>T]CCCACTGGGCTCAACGTTCCTACAAACAGAGGGTGGGAGGACAGGTCCCTACAAAGCTGT-3'
Protein context (NP_008884.1, residues 73-93): RNASVQDSTN[Thr83Ile]PLGSTFLQTE

ClinVar aggregate classification (germline): Uncertain significance (1 of 4 stars; one submission).

Submission:

Dasa
Classification: Uncertain significance. Last evaluated: 2025-10-16. Review status: criteria provided, single submitter. Criteria: DASA Assertion Criteria. Collection method: clinical testing. Allele origin: germline.
Comment: NM_006953.4(UPK3A):c.248C>T (p.Thr83Ile) is a missense variant that results in the substitution of threonine with isoleucine. This variant is absent from population databases. Computational prediction algorithms are consistent with a benign effect. The currently available literature and clinical evidence are not sufficient to establish a definitive association between this variant and the reported condition. Therefore, this variant is classified as a variant of uncertain significance.